The following is an entry in ClinVar:

ClinVar aggregate classification (germline): Pathogenic (1 of 4 stars; one submission).

Conditions:
Neurofibromatosis, type 1 (NF1). Also called: Peripheral type neurofibromatosis; Neurofibromatosis, type I; VON RECKLINGHAUSEN DISEASE; NEUROFIBROMATOSIS, TYPE I, SOMATIC. Identifiers: Orphanet 636, MedGen C0027831, MONDO:0018975, OMIM 162200. Disease mechanism: loss of function.

Submission:

Labcorp Genetics (formerly Invitae), Labcorp
Classification: Pathogenic for Neurofibromatosis, type 1. Last evaluated: 2022-10-27. Review status: criteria provided, single submitter. Criteria: Invitae Variant Classification Sherloc (09022015). Collection method: clinical testing. Allele origin: germline.
Comment: A gross deletion of the genomic region encompassing the full coding sequence of the NF1 gene has been identified. Loss-of-function variants in NF1 are known to be pathogenic (PMID: 10712197, 23913538). The boundaries of this event are unknown as they extend beyond the assayed region for this gene and therefore may encompass additional genes. Isolated whole-gene deletions of NF1 have not been reported in the literature. However, larger copy number events that include this gene have been reported (PMID: 8116612, 8931693, 9643287, 22837079, 25480383, 25541118). For these reasons, this variant has been classified as Pathogenic.

Literature cited by the submitters: PubMed 10712197; PubMed 23913538; PubMed 8116612; PubMed 8931693; PubMed 9643287; PubMed 22837079; PubMed 25480383; PubMed 25541118.

NC_000017.11:g.(?_31095030)_(31374155_?)del

Genes: EVI2A (ecotropic viral integration site 2A; minus strand), EVI2B (ecotropic viral integration site 2B; minus strand), NF1 (neurofibromin 1; plus strand), OMG (oligodendrocyte myelin glycoprotein; minus strand). Cytogenetic location: 17q11.2.
Variant type: Deletion.
Identifiers: ClinVar variation 832492 (VCV000832492.2).